The following is an entry in ClinVar:

ClinVar aggregate classification (germline): Uncertain significance (1 of 4 stars; one submission).

Submission:

CeGaT Center for Human Genetics Tuebingen
Classification: Uncertain significance. Last evaluated: 2026-06-01. Review status: criteria provided, single submitter. Criteria: CeGaT Center For Human Genetics Tuebingen Variant Classification Criteria Version 2. Collection method: clinical testing. Allele origin: germline. Affected: yes. Observed: 1 variant allele.
Comment: COASY: PM2, PM4:Supporting

NM_025233.7(COASY):c.668TGG[1] (p.Val224del)

Gene: COASY (Coenzyme A synthase; plus strand). Cytogenetic location: 17q21.2.
Variant type: Microsatellite.
Coding change: c.668TGG[1] on transcript NM_025233.7 (MANE Select); one copy of the 3-base unit TGG starting at c.668; the reference has two copies in a row; one copy, 3 bases deleted.
Protein change: p.Val224del; deletes valine 224.
Molecular consequence: inframe deletion.
Genome position (GRCh38, 1-based): chr17:42,563,293-42,563,295, TGG deleted; deleting any 3 consecutive bases within chr17:42,563,289-42,563,295 gives the same sequence; the position shown is the placement nearest the transcript's 3' end. VCF-style (leftmost placement, unchanged base first): chr17-42563288-TGTG-T. GRCh37 (hg19) VCF-style: chr17-40715306-TGTG-T.
Other names: c.668TGG[1], p.Val224del (NM_001042529.3); c.755TGG[1], p.Val253del (NM_001042532.4); short protein forms V224del, V253del.
Identifiers: ClinVar variation 4872279 (VCV004872279.2).